The following is an entry in ClinVar:

ClinVar aggregate classification (germline): Uncertain significance (1 of 4 stars; one submission).

Conditions:
Pancreatic adenocarcinoma. Identifiers: MedGen C0281361, MONDO:0006047, HP:0006725.

Submission:

Labcorp Genetics (formerly Invitae), Labcorp
Classification: Uncertain significance for Pancreatic adenocarcinoma. Last evaluated: 2022-06-08. Review status: criteria provided, single submitter. Criteria: Invitae Variant Classification Sherloc (09022015). Collection method: clinical testing. Allele origin: germline.
Comment: In summary, the available evidence is currently insufficient to determine the role of this variant in disease. Therefore, it has been classified as a Variant of Uncertain Significance. Algorithms developed to predict the effect of missense changes on protein structure and function (SIFT, PolyPhen-2, Align-GVGD) all suggest that this variant is likely to be disruptive. This variant has not been reported in the literature in individuals affected with PALLD-related conditions. This variant is not present in population databases (gnomAD no frequency). This sequence change replaces arginine, which is basic and polar, with cysteine, which is neutral and slightly polar, at codon 7 of the PALLD protein (p.Arg7Cys).

NM_001166108.2(PALLD):c.1965-13012C>T

Gene: PALLD (palladin, cytoskeletal associated protein; plus strand). Cytogenetic location: 4q32.3.
Variant type: single nucleotide variant.
Coding change: c.1965-13012C>T on transcript NM_001166108.2 (MANE Select); 13012 bases into the intron before coding-DNA position 1965, C replaced by T.
Molecular consequence: intron variant. On other transcripts: missense variant (1).
Genome position (GRCh38, 1-based): chr4:168,877,910, C>T. VCF-style: chr4-168877910-C-T. GRCh37 (hg19) VCF-style: chr4-169799061-C-T.
Other names: c.19C>T, p.Arg7Cys (NM_001166110.2); c.1965-13012C>T (NM_016081.4); c.819-13012C>T (NM_001166109.2); c.-157-13012C>T (NM_001367570.1, NM_001367568.1, NM_001367567.1 and 1 more transcripts); short protein forms R7C.
Identifiers: ClinVar variation 1915748 (VCV001915748.5), dbSNP rs2533431927, ClinGen allele CA358794669.
Genomic context (GRCh38, chr4:168,877,910, plus strand): 5'-CCCGAGCTCGCGGCCTGCACGCCGCCCGCGTCCCCGGAGCCCATGAGCGCGCTGGCCTCC[C>T]GCTCCGCCCCCGCCATGCAGTCCTCCGGCTCCTTCAACTACGCGCGCCCCAAGCAGTTCA-3'